The following is an entry in ClinVar:

NM_001378454.1(ALMS1):c.505del (p.Asp169fs)

Gene: ALMS1 (ALMS1 centrosome and basal body associated protein; plus strand). Cytogenetic location: 2p13.1.
Variant type: Deletion.
Coding change: c.505del on transcript NM_001378454.1 (MANE Select); coding-DNA position 505, one base deleted (G; older notation c.505delG).
Protein change: p.Asp169fs; shifts the reading frame from aspartic acid 169.
Molecular consequence: frameshift variant.
Genome position (GRCh38, 1-based): chr2:73,419,177, G deleted; the last of 2 consecutive G bases (chr2:73,419,176-73,419,177); deleting either gives the same sequence. VCF-style (leftmost placement, unchanged base first): chr2-73419175-TG-T. GRCh37 (hg19) VCF-style: chr2-73646303-TG-T.
Other names: c.508del, p.Asp170fs (NM_015120.4); short protein forms D169fs, D170fs.
Identifiers: ClinVar variation 3383147 (VCV003383147.2).

ClinVar aggregate classification (germline): Likely pathogenic (1 of 4 stars; one submission).

Conditions:
Alstrom syndrome (ALMS). Identifiers: Orphanet 64, MedGen C0268425, MONDO:0008763, OMIM 203800.

Submission:

Juno Genomics, Hangzhou Juno Genomics, Inc
Classification: Likely pathogenic for Alstrom syndrome. Review status: criteria provided, single submitter. Criteria: ACMG Guidelines, 2015. Collection method: clinical testing. Allele origin: germline. Affected: yes.
Comment: Null variant in a gene where loss of function (LOF) is a known mechanism of disease.;Absent from controls (or at extremely low frequency if recessive) in Genome Aggregation Database, Exome Sequencing Project, 1000 Genomes Project, or Exome Aggregation Consortium.